The following is an entry in ClinVar:

NM_006017.3(PROM1):c.1010C>G (p.Pro337Arg)

Gene: PROM1 (prominin 1; minus strand). Cytogenetic location: 4p15.32.
Variant type: single nucleotide variant.
Coding change: c.1010C>G on transcript NM_006017.3 (MANE Select); coding-DNA position 1010, C replaced by G.
Protein change: p.Pro337Arg; replaces proline 337 with arginine.
Molecular consequence: missense variant.
Genome position (GRCh38, 1-based): chr4:16,016,233, G>C on the plus strand (C>G on the coding strand, the complement: PROM1 is on the minus strand). VCF-style: chr4-16016233-G-C. GRCh37 (hg19) VCF-style: chr4-16017856-G-C.
Other names: c.983C>G, p.Pro328Arg (NM_001145847.2, NM_001145848.2, NM_001145851.2 and 4 more transcripts); c.1010C>G, p.Pro337Arg (NM_001145849.2, NM_001145850.2); short protein forms P328R, P337R.
Identifiers: ClinVar variation 2087721 (VCV002087721.4), dbSNP rs1256568723, ClinGen allele CA356416812.
Genomic context (GRCh38, chr4:16,016,233, plus strand): 5'-ACCAGGCCATCCAAATCTGTCCTAAGAACGTTATTAACGTTGTCAAGTTCTGCATCCACG[G>C]GTGGAAGCTGAAAATTTATAAAACAAAATATAAGACAAGGTTGTTACCTTCAAAACAATT-3'
Protein context (NP_006008.1, residues 327-347): NSNPELRQLP[Pro337Arg]VDAELDNVNN

ClinVar aggregate classification (germline): Uncertain significance (1 of 4 stars; one submission).

Allele frequency attached by ClinVar (database versions not stated): TOPMed below 0.00001; gnomAD 0.00001.
gnomAD v4.1: 4 of 1,548,744 alleles (0.00026%); highest among the groups gnomAD compares: African/African-American, 0.0055%; no homozygotes.

Submission:

Labcorp Genetics (formerly Invitae), Labcorp
Classification: Uncertain significance. Last evaluated: 2023-08-04. Review status: criteria provided, single submitter. Criteria: Invitae Variant Classification Sherloc (09022015). Collection method: clinical testing. Allele origin: germline.
Comment: This variant has not been reported in the literature in individuals affected with PROM1-related conditions. In summary, the available evidence is currently insufficient to determine the role of this variant in disease. Therefore, it has been classified as a Variant of Uncertain Significance. Advanced modeling of protein sequence and biophysical properties (such as structural, functional, and spatial information, amino acid conservation, physicochemical variation, residue mobility, and thermodynamic stability) performed at Invitae indicates that this missense variant is not expected to disrupt PROM1 protein function. ClinVar contains an entry for this variant (Variation ID: 2087721). This variant is not present in population databases (gnomAD no frequency). This sequence change replaces proline, which is neutral and non-polar, with arginine, which is basic and polar, at codon 337 of the PROM1 protein (p.Pro337Arg).